The following is an entry in ClinVar:

ClinVar aggregate classification (germline): Uncertain significance (1 of 4 stars; one submission).

Conditions:
Methylmalonic aciduria and homocystinuria type cblF. Also called: METHYLMALONIC ACIDEMIA AND HOMOCYSTINURIA, cblF TYPE; METHYLMALONIC ACIDURIA DUE TO VITAMIN B12-RELEASE DEFECT; VITAMIN B12 LYSOSOMAL RELEASE DEFECT; VITAMIN B12 STORAGE DISEASE; COBALAMIN F DISEASE; COBALAMIN, DEFECT IN LYSOSOMAL RELEASE OF. Identifiers: Orphanet 79284, MedGen C1848578, MONDO:0010183, OMIM 277380.

Submission:

Labcorp Genetics (formerly Invitae), Labcorp
Classification: Uncertain significance for Methylmalonic aciduria and homocystinuria type cblF. Last evaluated: 2022-07-12. Review status: criteria provided, single submitter. Criteria: Invitae Variant Classification Sherloc (09022015). Collection method: clinical testing. Allele origin: germline.
Comment: This variant is not present in population databases (gnomAD no frequency). This sequence change replaces phenylalanine, which is neutral and non-polar, with tyrosine, which is neutral and polar, at codon 379 of the LMBRD1 protein (p.Phe379Tyr). This variant has not been reported in the literature in individuals affected with LMBRD1-related conditions. ClinVar contains an entry for this variant (Variation ID: 1437446). Algorithms developed to predict the effect of missense changes on protein structure and function (SIFT, PolyPhen-2, Align-GVGD) all suggest that this variant is likely to be tolerated. Algorithms developed to predict the effect of sequence changes on RNA splicing suggest that this variant may disrupt the consensus splice site. In summary, the available evidence is currently insufficient to determine the role of this variant in disease. Therefore, it has been classified as a Variant of Uncertain Significance.

NM_018368.4(LMBRD1):c.1136T>A (p.Phe379Tyr)

Gene: LMBRD1 (LMBR1 domain containing 1; minus strand). Cytogenetic location: 6q13.
Variant type: single nucleotide variant.
Coding change: c.1136T>A on transcript NM_018368.4 (MANE Select); coding-DNA position 1136, T replaced by A.
Protein change: p.Phe379Tyr; replaces phenylalanine 379 with tyrosine.
Molecular consequence: missense variant.
Genome position (GRCh38, 1-based): chr6:69,700,817, A>T on the plus strand (T>A on the coding strand, the complement: LMBRD1 is on the minus strand). VCF-style: chr6-69700817-A-T. GRCh37 (hg19) VCF-style: chr6-70410709-A-T.
Other names: c.917T>A, p.Phe306Tyr (NM_001363722.2, NM_001367271.1, NM_001367272.1); short protein forms F306Y, F379Y.
Identifiers: ClinVar variation 1437446 (VCV001437446.8), dbSNP rs2149844500, ClinGen allele CA364664382.
Genomic context (GRCh38, chr6:69,700,817, plus strand): 5'-ATACTTACTCTAATCCAAAAGAACCATATGCCAATATTTCGAATTCCTGCCATTGAAGTA[A>T]AAATAAAGTACATAATAATAATTGTTATAAGAATATAATCAAGAGGGAAAACCTGAAAAA-3'
Protein context (NP_060838.3, residues 369-389): LITIIIMYFI[Phe379Tyr]TSMAGIRNIG